The following is an entry in ClinVar:

NM_001267550.2(TTN):c.102976G>A (p.Asp34326Asn)

Genes: TTN-AS1 (TTN antisense RNA 1; plus strand), TTN (titin; minus strand). Cytogenetic location: 2q31.2.
Variant type: single nucleotide variant.
Coding change: c.102976G>A on transcript NM_001267550.2 (MANE Select); coding-DNA position 102976, G replaced by A.
Protein change: p.Asp34326Asn; replaces aspartic acid 34326 with asparagine.
Molecular consequence: missense variant.
Genome position (GRCh38, 1-based): chr2:178,533,639, C>T on the plus strand (G>A on the coding strand, the complement: TTN is on the minus strand). VCF-style: chr2-178533639-C-T. GRCh37 (hg19) VCF-style: chr2-179398366-C-T.
Other names: c.98053G>A, p.Asp32685Asn (NM_001256850.1); c.75781G>A, p.Asp25261Asn (NM_003319.4); c.95272G>A, p.Asp31758Asn (NM_133378.4); c.76156G>A, p.Asp25386Asn (NM_133432.3); c.76357G>A, p.Asp25453Asn (NM_133437.4); short protein forms D31758N, D32685N, D25386N, D25453N, D34326N, D25261N.
Identifiers: ClinVar variation 1349043 (VCV001349043.3), dbSNP rs1227502652, ClinGen allele CA349415639.

ClinVar aggregate classification (germline): Uncertain significance (1 of 4 stars; one submission).

Conditions:
Dilated cardiomyopathy 1G (CMD1G). Identifiers: Orphanet 154, MedGen C1858763, MONDO:0011400, OMIM 604145.
Autosomal recessive limb-girdle muscular dystrophy type 2J (LGMDR10). Also called: Limb-girdle muscular dystrophy, type 2J; MUSCULAR DYSTROPHY, LIMB-GIRDLE, AUTOSOMAL RECESSIVE 10. Identifiers: Orphanet 140922, MedGen C1837342, MONDO:0012127, OMIM 608807.

Allele frequency attached by ClinVar (database versions not stated): TOPMed below 0.00001; gnomAD 0.00001.
gnomAD v4.1: 1 of 1,613,866 alleles (0.000062%); highest among the groups gnomAD compares: African/African-American, 0.0013%; no homozygotes.

Submission:

Labcorp Genetics (formerly Invitae), Labcorp
Classification: Uncertain significance for Dilated cardiomyopathy 1G; Autosomal recessive limb-girdle muscular dystrophy type 2J. Last evaluated: 2021-09-18. Review status: criteria provided, single submitter. Criteria: Invitae Variant Classification Sherloc (09022015). Collection method: clinical testing. Allele origin: germline.
Comment: This sequence change replaces aspartic acid with asparagine at codon 34326 of the TTN protein (p.Asp34326Asn). There is a small physicochemical difference between aspartic acid and asparagine. This variant is not present in population databases (ExAC no frequency). This variant has not been reported in the literature in individuals affected with TTN-related conditions. Experimental studies and prediction algorithms are not available or were not evaluated, and the functional significance of this variant is currently unknown. This variant is located in the M band of TTN (PMID: 25589632). Variants in this region may be relevant for neuromuscular disorders, but have not been definitively shown to cause cardiomyopathy (PMID: 23975875). In summary, the available evidence is currently insufficient to determine the role of this variant in disease. Therefore, it has been classified as a Variant of Uncertain Significance.

Literature cited by the submitters: PubMed 25589632; PubMed 23975875.